The following is an entry in ClinVar:

NM_001377.3(DYNC2H1):c.7966C>T (p.Arg2656Cys)

Gene: DYNC2H1 (dynein cytoplasmic 2 heavy chain 1; plus strand). Cytogenetic location: 11q22.3.
Variant type: single nucleotide variant.
Coding change: c.7966C>T on transcript NM_001377.3 (MANE Select); coding-DNA position 7966, C replaced by T.
Protein change: p.Arg2656Cys; replaces arginine 2656 with cysteine.
Molecular consequence: missense variant.
Genome position (GRCh38, 1-based): chr11:103,199,354, C>T. VCF-style: chr11-103199354-C-T. GRCh37 (hg19) VCF-style: chr11-103070083-C-T.
Other names: c.7966C>T, p.Arg2656Cys (NM_001080463.2); short protein forms R2656C.
Identifiers: ClinVar variation 446533 (VCV000446533.11), dbSNP rs371214841, ClinGen allele CA6254362.

ClinVar aggregate classification (germline): Conflicting classifications of pathogenicity. Review status: criteria provided, conflicting classifications (1 of 4 stars). 7 submissions from 7 submitters: Likely pathogenic (2); Uncertain significance (3). 2 of the submissions do not count toward it. Last evaluated 2026-01-28.

Conditions:
Jeune thoracic dystrophy. Also called: Short-rib thoracic dysplasia; Jeune syndrome; Infantile thoracic dystrophy; Thoracic pelvic phalangeal dystrophy; Jeune's syndrome; Chondroectodermal dysplasia-like syndrome. Identifiers: Orphanet 474, MedGen C0265275, MONDO:0018770.
Asphyxiating thoracic dystrophy 3. Also called: SHORT-RIB THORACIC DYSPLASIA 3 WITH OR WITHOUT POLYDACTYLY; POLYDACTYLY WITH NEONATAL CHONDRODYSTROPHY, TYPE I; SHORT-RIB THORACIC DYSPLASIA 3/6 WITH POLYDACTYLY, DIGENIC; Saldino-Noonan Syndrome; Short rib polydactyly syndrome 2B. Identifiers: Orphanet 474, Orphanet 93269, Orphanet 93270, Orphanet 93271, MedGen C0036069, MONDO:0013127, OMIM 613091.

Allele frequency attached by ClinVar (database versions not stated): gnomAD exomes 0.00001 and 0.00002; ExAC 0.00003; gnomAD 0.00003; TOPMed 0.00004; ESP Exome Variant Server 0.00008.
gnomAD v4.1: 18 of 1,612,160 alleles (0.0011%); highest among the groups gnomAD compares: Middle Eastern, 0.02%; no homozygotes.

Submissions (7):

Myriad Genetics, Inc.
Classification: Uncertain significance for Asphyxiating thoracic dystrophy 3. Last evaluated: 2026-01-28. Review status: criteria provided, single submitter. Criteria: Myriad Autosomal Dominant, Autosomal Recessive and X-Linked Classification Criteria (2023). Collection method: clinical testing. Allele origin: unknown.
Comment: NM_001377.2(DYNC2H1):c.7966C>T(R2656C) is a missense variant classified as a variant of uncertain significance in the context of DYNC2H1-related disorders. R2656C has been observed in a case with relevant disease (PMID: 29068549). Relevant functional assessments of this variant are not available in the literature. R2656C has been observed in referenced population frequency databases. In summary, there is insufficient evidence to classify NM_001377.2(DYNC2H1):c.7966C>T(R2656C) as pathogenic or benign. Please note: this variant was assessed in the context of healthy population screening.

Genomic Medicine Center of Excellence, King Faisal Specialist Hospital and Research Centre
Classification: Likely pathogenic for Asphyxiating thoracic dystrophy 3. Last evaluated: 2025-09-10. Review status: criteria provided, single submitter. Criteria: ACMG Guidelines, 2015. Collection method: clinical testing. Allele origin: germline.

Women's Health and Genetics/Laboratory Corporation of America, LabCorp
Classification: Uncertain significance. Last evaluated: 2025-06-05. Review status: criteria provided, single submitter. Criteria: LabCorp Variant Classification Summary - May 2015. Collection method: clinical testing. Allele origin: germline.
Comment: Variant summary: DYNC2H1 c.7966C>T (p.Arg2656Cys) results in a non-conservative amino acid change located in the Dynein heavy chain, AAA module D4 (IPR024317) of the encoded protein sequence. Algorithms developed to predict the effect of missense changes on protein structure and function are either unavailable or do not agree on the potential impact of this missense change. The variant allele was found at a frequency of 2e-05 in 248576 control chromosomes. The available data on variant occurrences in the general population are insufficient to allow any conclusion about variant significance. c.7966C>T has been observed in at least one compound heterozygous individual affected with Short-rib thoracic dysplasia (Zhang_2018). These data do not allow any conclusion about variant significance. To our knowledge, no experimental evidence demonstrating an impact on protein function has been reported. The following publication has been ascertained in the context of this evaluation (PMID: 29068549). ClinVar contains an entry for this variant (Variation ID: 446533). Based on the evidence outlined above, the variant was classified as uncertain significance.

Labcorp Genetics (formerly Invitae), Labcorp
Classification: Likely pathogenic for Jeune thoracic dystrophy. Last evaluated: 2024-10-21. Review status: criteria provided, single submitter. Criteria: Invitae Variant Classification Sherloc (09022015). Collection method: clinical testing. Allele origin: germline.
Comment: This sequence change replaces arginine, which is basic and polar, with cysteine, which is neutral and slightly polar, at codon 2656 of the DYNC2H1 protein (p.Arg2656Cys). This variant is present in population databases (rs371214841, gnomAD 0.004%). This missense change has been observed in individual(s) with short-rib polydactyly syndrome (PMID: 29068549). In at least one individual the data is consistent with being in trans (on the opposite chromosome) from a pathogenic variant. ClinVar contains an entry for this variant (Variation ID: 446533). Invitae Evidence Modeling of protein sequence and biophysical properties (such as structural, functional, and spatial information, amino acid conservation, physicochemical variation, residue mobility, and thermodynamic stability) indicates that this missense variant is expected to disrupt DYNC2H1 protein function with a positive predictive value of 95%. In summary, the currently available evidence indicates that the variant is pathogenic, but additional data are needed to prove that conclusively. Therefore, this variant has been classified as Likely Pathogenic.

Blueprint Genetics
Classification: Uncertain significance. Last evaluated: 2023-06-19. Review status: criteria provided, single submitter. Criteria: ACMG Guidelines, 2015. Collection method: clinical testing. Allele origin: germline.

Dan Cohn Lab, University Of California Los Angeles
Classification: Pathogenic for Asphyxiating thoracic dystrophy 3. Last evaluated: 2017-06-01. Review status: no assertion criteria provided. Collection method: research. Allele origin: maternal. Affected: yes. Not counted in ClinVar's aggregate classification.

University of Washington Center for Mendelian Genomics, University of Washington
Classification: Likely pathogenic for Asphyxiating thoracic dystrophy 3. Review status: no assertion criteria provided. Collection method: research. Allele origin: inherited. Affected: yes. Not counted in ClinVar's aggregate classification.

Literature cited by the submitters: PubMed 29068549 (cited by 5 submitters).